The following is an entry in ClinVar:

ClinVar aggregate classification (germline): Uncertain significance (1 of 4 stars; one submission).

gnomAD v4.1: 2 of 1,613,810 alleles (0.00012%); highest among the groups gnomAD compares: Non-Finnish European, 0.00017%; no homozygotes.

Submission:

GeneDx
Classification: Uncertain significance. Last evaluated: 2024-01-08. Review status: criteria provided, single submitter. Criteria: GeneDx Variant Classification Process June 2021. Collection method: clinical testing. Allele origin: germline. Affected: yes.
Comment: Not observed at significant frequency in large population cohorts (gnomAD); In silico analysis supports that this missense variant does not alter protein structure/function; Has not been previously published as pathogenic or benign to our knowledge

NM_003922.4(HERC1):c.12571G>C (p.Val4191Leu)

Gene: HERC1 (HECT and RLD domain containing E3 ubiquitin protein ligase family member 1; minus strand). Cytogenetic location: 15q22.31.
Variant type: single nucleotide variant.
Coding change: c.12571G>C on transcript NM_003922.4 (MANE Select); coding-DNA position 12571, G replaced by C.
Protein change: p.Val4191Leu; replaces valine 4191 with leucine.
Molecular consequence: missense variant.
Genome position (GRCh38, 1-based): chr15:63,633,970, C>G on the plus strand (G>C on the coding strand, the complement: HERC1 is on the minus strand). VCF-style: chr15-63633970-C-G. GRCh37 (hg19) VCF-style: chr15-63926169-C-G.
Other names: short protein forms V4191L.
Identifiers: ClinVar variation 3367724 (VCV003367724.1).